The following is an entry in ClinVar:

ClinVar aggregate classification (germline): Conflicting classifications of pathogenicity. Review status: criteria provided, conflicting classifications (1 of 4 stars). 6 submissions from 6 submitters: Uncertain significance (5); Likely benign (1). Last evaluated 2025-11-15.

Conditions:
Cerebral palsy, spastic quadriplegic, 2 (CPSQ2). Identifiers: Orphanet 210141, MedGen C2752061, MONDO:0013033, OMIM 612900.

Allele frequency attached by ClinVar (database versions not stated): TOPMed 0.00008; gnomAD 0.00013; ESP Exome Variant Server 0.00015; ExAC 0.00018; gnomAD exomes 0.00019.
gnomAD v4.1: 224 of 1,614,180 alleles (0.014%); highest among the groups gnomAD compares: Middle Eastern, 0.12%; no homozygotes.

Submissions (6):

Labcorp Genetics (formerly Invitae), Labcorp
Classification: Uncertain significance. Last evaluated: 2025-11-15. Review status: criteria provided, single submitter. Criteria: Invitae Variant Classification Sherloc (09022015). Collection method: clinical testing. Allele origin: germline.
Comment: This sequence change replaces cysteine, which is neutral and slightly polar, with tyrosine, which is neutral and polar, at codon 551 of the KANK1 protein (p.Cys551Tyr). This variant is present in population databases (rs370250575, gnomAD 0.05%). This variant has not been reported in the literature in individuals affected with KANK1-related conditions. ClinVar contains an entry for this variant (Variation ID: 426868). Invitae Evidence Modeling of protein sequence and biophysical properties (such as structural, functional, and spatial information, amino acid conservation, physicochemical variation, residue mobility, and thermodynamic stability) indicates that this missense variant is expected to disrupt KANK1 protein function with a positive predictive value of 80%. In summary, the available evidence is currently insufficient to determine the role of this variant in disease. Therefore, it has been classified as a Variant of Uncertain Significance.

Blueprint Genetics
Classification: Likely benign. Last evaluated: 2024-11-25. Review status: criteria provided, single submitter. Criteria: ACMG Guidelines, 2015. Collection method: clinical testing. Allele origin: germline.

Biomedical Genomics and Oncogenetics Laboratory, Institut Pasteur de Tunis, University Tunis El Manar
Classification: Uncertain significance. Last evaluated: 2022-10-23. Review status: criteria provided, single submitter. Criteria: ACMG Guidelines, 2015. Collection method: research. Allele origin: germline. Affected: yes. Observed: 2 variant alleles.

Ambry Genetics
Classification: Uncertain significance. Last evaluated: 2022-06-29. Review status: criteria provided, single submitter. Criteria: Ambry Variant Classification Scheme 2023. Collection method: clinical testing. Allele origin: germline.

Fulgent Genetics
Classification: Uncertain significance for Cerebral palsy, spastic quadriplegic, 2. Last evaluated: 2022-04-16. Review status: criteria provided, single submitter. Criteria: ACMG Guidelines, 2015. Collection method: clinical testing. Allele origin: unknown.

GeneDx
Classification: Uncertain significance. Last evaluated: 2017-03-30. Review status: criteria provided, single submitter. Criteria: GeneDx Variant Classification (06012015). Collection method: clinical testing. Allele origin: germline. Affected: yes.
Comment: The C551Y variant in the KANK1 gene has not been reported previously as a pathogenic variant, nor as a benign variant, to our knowledge. The C551Y variant is observed in 7/11578 (0.06%) alleles from individuals of Latino background, in the ExAC dataset (Lek et al., 2016). The C551Y variant is a non-conservative amino acid substitution, which is likely to impact secondary protein structure as these residues differ in polarity, charge, size and/or other properties. This substitution occurs at a position that is conserved across species. In silico analysis predicts this variant is probably damaging to the protein structure/function. We interpret C551Y as a variant of uncertain significance.

NM_015158.5(KANK1):c.1652G>A (p.Cys551Tyr)

Gene: KANK1 (KN motif and ankyrin repeat domains 1; plus strand). Cytogenetic location: 9p24.3.
Variant type: single nucleotide variant.
Coding change: c.1652G>A on transcript NM_015158.5 (MANE Select); coding-DNA position 1652, G replaced by A.
Protein change: p.Cys551Tyr; replaces cysteine 551 with tyrosine.
Molecular consequence: missense variant. On other transcripts: non-coding transcript variant (1).
Genome position (GRCh38, 1-based): chr9:712,418, G>A. VCF-style: chr9-712418-G-A. GRCh37 (hg19) VCF-style: chr9-712418-G-A.
Other names: c.1652G>A, p.Cys551Tyr (NM_001256876.3, NM_001256877.3, NM_001354331.2 and 2 more transcripts); c.1178G>A, p.Cys393Tyr (NM_001354333.2, NM_001354335.2, NM_001354336.2 and 9 more transcripts); c.1652G>A (NM_015158.2); short protein forms C551Y, C393Y.
Identifiers: ClinVar variation 426868 (VCV000426868.14), dbSNP rs370250575, ClinGen allele CA4960277.